The following is an entry in ClinVar:

NM_000018.4(ACADVL):c.1533-2A>C

Gene: ACADVL (acyl-CoA dehydrogenase very long chain; plus strand). Cytogenetic location: 17p13.1.
Variant type: single nucleotide variant.
Coding change: c.1533-2A>C on transcript NM_000018.4 (MANE Select); the canonical splice acceptor site of the intron before coding-DNA position 1533, A replaced by C.
Molecular consequence: splice acceptor variant.
Genome position (GRCh38, 1-based): chr17:7,224,319, A>C. VCF-style: chr17-7224319-A-C. GRCh37 (hg19) VCF-style: chr17-7127638-A-C.
Other names: c.1602-2A>C (NM_001270447.2); c.1305-2A>C (NM_001270448.2); c.1467-2A>C (NM_001033859.3).
Identifiers: ClinVar variation 932879 (VCV000932879.9), dbSNP rs996348255, ClinGen allele CA287440175.
Genomic context (GRCh38, chr17:7,224,319, plus strand): 5'-GAGCCAGGGGAGGGCAGGGTGGTGTATGGCAACTAACCAGTCATTCTCCCTCTTCCTCTC[A>C]GGCGGGCAGGGCTGGGCAGCGGCCTGAGTCTCAGCGGACTTGTCCACCCGGAGTTGAGTC-3'

ClinVar aggregate classification (germline): Likely pathogenic. Review status: criteria provided, multiple submitters, no conflicts (2 of 4 stars). 4 submissions from 4 submitters: Likely pathogenic (4). Last evaluated 2024-04-22.

Conditions:
Very long chain acyl-CoA dehydrogenase deficiency (ACADVLD). Also called: Very Long-Chain Acyl-Coenzyme A Dehydrogenase Deficiency; VLCAD Deficiency. Identifiers: Orphanet 26793, MedGen C3887523, MONDO:0008723, OMIM 201475.

Allele frequency attached by ClinVar (database versions not stated): gnomAD 0.00001; TOPMed 0.00001.
gnomAD v4.1: 1 of 1,613,746 alleles (0.000062%); highest among the groups gnomAD compares: African/African-American, 0.0013%; no homozygotes.

Submissions (4):

Natera, Inc.
Classification: Likely pathogenic for Very long chain acyl-CoA dehydrogenase deficiency. Last evaluated: 2024-04-22. Review status: criteria provided, single submitter. Criteria: Natera Variant Classification Schema (03/2026). Collection method: clinical testing. Allele origin: germline.
Comment: The c.1533-2A>C variant in ACADVL is a canonical splice acceptor site variant predicted to affect pre-mRNA splicing, which may result in an abnormal transcript and altered protein product. This variant is expected to result in nonsense mediated decay, truncation, or a dysfunctional protein product. This variant is rare in the general population with a frequency below the threshold expected for the associated phenotype(s). Given the available evidence, this variant is classified as Likely Pathogenic.

Baylor Genetics
Classification: Likely pathogenic for Very long chain acyl-CoA dehydrogenase deficiency. Last evaluated: 2024-01-22. Review status: criteria provided, single submitter. Criteria: ACMG Guidelines, 2015. Collection method: clinical testing. Allele origin: unknown.

Labcorp Genetics (formerly Invitae), Labcorp
Classification: Likely pathogenic for Very long chain acyl-CoA dehydrogenase deficiency. Last evaluated: 2023-09-24. Review status: criteria provided, single submitter. Criteria: Invitae Variant Classification Sherloc (09022015). Collection method: clinical testing. Allele origin: germline.
Comment: This sequence change affects an acceptor splice site in intron 15 of the ACADVL gene. It is expected to disrupt RNA splicing. Variants that disrupt the donor or acceptor splice site typically lead to a loss of protein function (PMID: 16199547), and loss-of-function variants in ACADVL are known to be pathogenic (PMID: 9973285, 11590124). This variant is not present in population databases (gnomAD no frequency). This variant has not been reported in the literature in individuals affected with ACADVL-related conditions. ClinVar contains an entry for this variant (Variation ID: 932879). Algorithms developed to predict the effect of sequence changes on RNA splicing suggest that this variant may disrupt the consensus splice site. In summary, the currently available evidence indicates that the variant is pathogenic, but additional data are needed to prove that conclusively. Therefore, this variant has been classified as Likely Pathogenic.

Wong Mito Lab, Molecular and Human Genetics, Baylor College of Medicine
Classification: Likely pathogenic for Very long chain acyl-CoA dehydrogenase deficiency. Last evaluated: 2019-11-01. Review status: criteria provided, single submitter. Criteria: ACMG Guidelines, 2015. Collection method: clinical testing. Allele origin: germline.
Comment: The NM_000018.3:c.1533-2A>C (NP_000009.1:p.?) [GRCH38: NC_000017.11:g.7224319A>C] variant in ACADVL gene is interpretated to be Likely Pathogenic based on ACMG guidelines (PMID: 25741868). This variant has been reported. This variant meets the following evidence codes reported in the ACMG guidelines: PVS1, PM1

Literature cited by the submitters: PubMed 16199547 (cited by Labcorp Genetics (formerly Invitae), Labcorp); PubMed 9973285 (cited by Labcorp Genetics (formerly Invitae), Labcorp); PubMed 11590124 (cited by Labcorp Genetics (formerly Invitae), Labcorp).